The following is an entry in ClinVar:

NM_005359.6(SMAD4):c.668-13_668-11del

Gene: SMAD4 (SMAD family member 4; plus strand). Cytogenetic location: 18q21.2.
Variant type: Microsatellite.
Coding change: c.668-13_668-11del on transcript NM_005359.6 (MANE Select); 13 bases into the intron before coding-DNA position 668 through 11 bases into the intron before coding-DNA position 668, 3 bases deleted (CTT; older notation c.668-13_668-11delCTT).
Molecular consequence: intron variant.
Genome position (GRCh38, 1-based): chr18:51,058,112-51,058,114, CTT deleted; deleting any 3 consecutive bases within chr18:51,058,108-51,058,114 gives the same sequence; the c. name uses the placement nearest the transcript's 3' end. VCF-style (leftmost placement, unchanged base first): chr18-51058107-GTCT-G. GRCh37 (hg19) VCF-style: chr18-48584477-GTCT-G.
Identifiers: ClinVar variation 2139136 (VCV002139136.5), dbSNP rs2511376597, ClinGen allele CA2580612996.
Genomic context (GRCh38, chr18:51,058,107, plus strand): 5'-TTGGTCCTTCATTTAGTATATGAAATCATAAGATGACATCTATGAATGTACCATGTTAAT[GTCT>G]TCTTGTTCCTCTAGGTCAGCCTGCCAGTATACTGGGGGGCAGCCATAGTGAAGGACTGTT-3'

ClinVar aggregate classification (germline): Conflicting classifications of pathogenicity. Review status: criteria provided, conflicting classifications (1 of 4 stars). 2 submissions from 2 submitters: Uncertain significance (1); Likely benign (1). Last evaluated 2024-06-19.

Conditions:
Juvenile polyposis syndrome (JPS). Identifiers: Orphanet 2929, MedGen C0345893, MONDO:0017380, OMIM 174900.
Hereditary cancer-predisposing syndrome. Also called: Tumor predisposition; Hereditary Cancer Syndrome; Hereditary neoplastic syndrome; Neoplastic Syndromes, Hereditary. Identifiers: Orphanet 140162, MedGen C0027672, MeSH D009386, MONDO:0015356.

Submissions (2):

Labcorp Genetics (formerly Invitae), Labcorp
Classification: Likely benign for Juvenile polyposis syndrome. Last evaluated: 2024-06-19. Review status: criteria provided, single submitter. Criteria: Invitae Variant Classification Sherloc (09022015). Collection method: clinical testing. Allele origin: germline.

Color Diagnostics, LLC DBA Color Health
Classification: Uncertain significance for Hereditary cancer-predisposing syndrome. Last evaluated: 2022-11-21. Review status: criteria provided, single submitter. Criteria: ACMG Guidelines, 2015. Collection method: clinical testing. Allele origin: germline.
Comment: This variant causes a deletion of 3 nucleotides from positions -11 to -13 in intron 5 of the SMAD4 gene. To our knowledge, RNA studies have not been reported for this variant. This variant has not been reported in individuals affected with SMAD4-related disorders in the literature. This variant has not been identified in the general population by the Genome Aggregation Database (gnomAD). The available evidence is insufficient to determine the role of this variant in disease conclusively. Therefore, this variant is classified as a Variant of Uncertain Significance.